The following is an entry in ClinVar:

ClinVar aggregate classification (germline): Likely benign (1 of 4 stars; one submission).

gnomAD v4.1: 18 of 1,614,212 alleles (0.0011%); highest among the groups gnomAD compares: Non-Finnish European, 0.0014%; no homozygotes.

Submission:

CeGaT Center for Human Genetics Tuebingen
Classification: Likely benign. Last evaluated: 2026-03-01. Review status: criteria provided, single submitter. Criteria: CeGaT Center For Human Genetics Tuebingen Variant Classification Criteria Version 2. Collection method: clinical testing. Allele origin: germline. Affected: yes. Observed: 1 variant allele.
Comment: TCF20: BP4, BP7

NM_001378418.1(TCF20):c.4623G>C (p.Gly1541=)

Gene: TCF20 (transcription factor 20; minus strand). Cytogenetic location: 22q13.2.
Variant type: single nucleotide variant.
Coding change: c.4623G>C on transcript NM_001378418.1 (MANE Select); coding-DNA position 4623, G replaced by C.
Protein change: p.Gly1541=; no amino-acid change (glycine 1541 retained).
Molecular consequence: synonymous variant.
Genome position (GRCh38, 1-based): chr22:42,210,683, C>G on the plus strand (G>C on the coding strand, the complement: TCF20 is on the minus strand). VCF-style: chr22-42210683-C-G. GRCh37 (hg19) VCF-style: chr22-42606689-C-G.
Other names: c.4623G>C, p.Gly1541= (NM_005650.4, NM_181492.3).
Identifiers: ClinVar variation 4822438 (VCV004822438.4).